The following is an entry in ClinVar:

NM_003119.4(SPG7):c.37_40dup (p.Gly14fs)

Genes: SPG7 (SPG7 matrix AAA peptidase subunit, paraplegin; plus strand), LOC130059818 (ATAC-STARR-seq lymphoblastoid silent region 7911; plus strand). Cytogenetic location: 16q24.3.
Variant type: Duplication.
Coding change: c.37_40dup on transcript NM_003119.4 (MANE Select); coding-DNA positions 37 to 40, 4 bases duplicated (CGGG; older notation c.37_40dupCGGG).
Protein change: p.Gly14fs; shifts the reading frame from glycine 14.
Molecular consequence: frameshift variant.
Genome position (GRCh38, 1-based): chr16:89,508,454-89,508,457, CGGG duplicated. VCF-style (leftmost placement, unchanged base first): chr16-89508453-C-CCGGG. GRCh37 (hg19) VCF-style: chr16-89574861-C-CCGGG.
Other names: c.37_40dup, p.Gly14fs (NM_001363850.1, NM_199367.3); c.37_40dupCGGG (NM_003119.4); short protein forms G14fs.
Identifiers: ClinVar variation 4849353 (VCV004849353.1).

ClinVar aggregate classification (germline): Likely pathogenic (1 of 4 stars; one submission).

Conditions:
Hereditary spastic paraplegia 7 (SPG7). Also called: Spastic paraplegia 7; Hereditary spastic paraplegia Paraplegin type; Autosomal recessive spastic paraplegia type 7; SPASTIC PARAPLEGIA 7, AUTOSOMAL RECESSIVE, WITH OR WITHOUT CEREBELLAR ATAXIA; SPG7-related neurologic disorder. Identifiers: Orphanet 99013, MedGen C1846564, MONDO:0011803, OMIM 607259.

Submission:

First Genomix Gene Laboratory, Genetic Diagnostics Department
Classification: Likely pathogenic for Hereditary spastic paraplegia 7. Last evaluated: 2025-07-10. Review status: criteria provided, single submitter. Criteria: ACMG Guidelines, 2015. Collection method: clinical testing. Allele origin: germline. Inheritance: Autosomal recessive inheritance. Affected: no. Observed: 1 variant allele.